The following is an entry in ClinVar:

NM_002049.4(GATA1):c.548C>T (p.Ala183Val)

Gene: GATA1 (GATA binding protein 1; plus strand). Cytogenetic location: Xp11.23.
Variant type: single nucleotide variant.
Coding change: c.548C>T on transcript NM_002049.4 (MANE Select); coding-DNA position 548, C replaced by T.
Protein change: p.Ala183Val; replaces alanine 183 with valine.
Molecular consequence: missense variant.
Genome position (GRCh38, 1-based): chrX:48,792,171, C>T. VCF-style: chrX-48792171-C-T. GRCh37 (hg19) VCF-style: chrX-48650578-C-T.
Other names: short protein forms A183V.
Identifiers: ClinVar variation 2046206 (VCV002046206.4), dbSNP rs1240943746, ClinGen allele CA412869850.

ClinVar aggregate classification (germline): Uncertain significance (1 of 4 stars; one submission).

Conditions:
Diamond-Blackfan anemia. Also called: Blackfan Diamond syndrome; Aregenerative anemia chronic congenital; Red cell aplasia, pure hereditary; Congenital hypoplastic anemia; Aase syndrome. Identifiers: Orphanet 124, MedGen C1260899, MeSH D029503, MONDO:0015253, HP:0004810.
GATA binding protein 1 related thrombocytopenia with dyserythropoiesis. Also called: GATA1-Related X-Linked Cytopenia; GATA1-Related Cytopenia. Identifiers: MedGen C1845837, MONDO:0100089.

Allele frequency attached by ClinVar (database versions not stated): gnomAD exomes 0.00001; TOPMed 0.00001; gnomAD 0.00002.
gnomAD v4.1: 10 of 1,209,696 alleles (0.00083%); highest among the groups gnomAD compares: Non-Finnish European, 0.0011%; no homozygotes.

Submission:

Labcorp Genetics (formerly Invitae), Labcorp
Classification: Uncertain significance for GATA binding protein 1 related thrombocytopenia with dyserythropoiesis; Diamond-Blackfan anemia. Last evaluated: 2025-04-30. Review status: criteria provided, single submitter. Criteria: Invitae Variant Classification Sherloc (09022015). Collection method: clinical testing. Allele origin: germline.
Comment: This sequence change replaces alanine, which is neutral and non-polar, with valine, which is neutral and non-polar, at codon 183 of the GATA1 protein (p.Ala183Val). This variant is present in population databases (no rsID available, gnomAD 0.001%). This variant has not been reported in the literature in individuals affected with GATA1-related conditions. ClinVar contains an entry for this variant (Variation ID: 2046206). An algorithm developed to predict the effect of missense changes on protein structure and function outputs the following: PolyPhen-2: "Benign". The valine amino acid residue is found in multiple mammalian species, which suggests that this missense change does not adversely affect protein function. In summary, the available evidence is currently insufficient to determine the role of this variant in disease. Therefore, it has been classified as a Variant of Uncertain Significance.